The following is an entry in ClinVar:

ClinVar aggregate classification (germline): Likely benign. Review status: criteria provided, multiple submitters, no conflicts (2 of 4 stars). 2 submissions from 2 submitters: Likely benign (2). Last evaluated 2024-02-22.

Allele frequency attached by ClinVar (database versions not stated): gnomAD exomes 0.00002; gnomAD 0.00003 and 0.00004; TOPMed 0.00003.

Submissions (2):

Labcorp Genetics (formerly Invitae), Labcorp
Classification: Likely benign. Last evaluated: 2024-02-22. Review status: criteria provided, single submitter. Criteria: Invitae Variant Classification Sherloc (09022015). Collection method: clinical testing. Allele origin: germline.

GeneDx
Classification: Likely benign. Last evaluated: 2017-07-27. Review status: criteria provided, single submitter. Criteria: GeneDx Variant Classification (06012015). Collection method: clinical testing. Allele origin: germline. Affected: yes.
Comment: This variant is considered likely benign or benign based on one or more of the following criteria: it is a conservative change, it occurs at a poorly conserved position in the protein, it is predicted to be benign by multiple in silico algorithms, and/or has population frequency not consistent with disease.

NM_001953.5(TYMP):c.861G>A (p.Val287=)

Gene: TYMP (thymidine phosphorylase; minus strand). Cytogenetic location: 22q13.33.
Variant type: single nucleotide variant.
Coding change: c.861G>A on transcript NM_001953.5 (MANE Select); coding-DNA position 861, G replaced by A.
Protein change: p.Val287=; no amino-acid change (valine 287 retained).
Molecular consequence: synonymous variant.
Genome position (GRCh38, 1-based): chr22:50,526,643, C>T on the plus strand (G>A on the coding strand, the complement: TYMP is on the minus strand). VCF-style: chr22-50526643-C-T. GRCh37 (hg19) VCF-style: chr22-50965072-C-T.
Other names: c.861G>A, p.Val287= (NM_001113755.3, NM_001113756.3, NM_001257988.1 and 3 more transcripts).
Identifiers: ClinVar variation 516842 (VCV000516842.11), dbSNP rs1398337745, ClinGen allele CA515387887.